The following is an entry in ClinVar:

ClinVar aggregate classification (germline): Uncertain significance (1 of 4 stars; one submission).

Allele frequency attached by ClinVar (database versions not stated): gnomAD exomes below 0.00001; gnomAD 0.00001; TOPMed 0.00001.

Submission:

GeneDx
Classification: Uncertain significance. Last evaluated: 2019-04-09. Review status: criteria provided, single submitter. Criteria: GeneDx Variant Classification Process June 2021. Collection method: clinical testing. Allele origin: germline. Affected: yes.
Comment: Not observed in large population cohorts (Lek et al., 2016); In silico analysis, which includes protein predictors and evolutionary conservation, supports a deleterious effect; Has not been previously published as pathogenic or benign to our knowledge

NM_003482.4(KMT2D):c.6490C>T (p.Pro2164Ser)

Gene: KMT2D (lysine methyltransferase 2D; minus strand). Cytogenetic location: 12q13.12.
Variant type: single nucleotide variant.
Coding change: c.6490C>T on transcript NM_003482.4 (MANE Select); coding-DNA position 6490, C replaced by T.
Protein change: p.Pro2164Ser; replaces proline 2164 with serine.
Molecular consequence: missense variant.
Genome position (GRCh38, 1-based): chr12:49,041,280, G>A on the plus strand (C>T on the coding strand, the complement: KMT2D is on the minus strand). VCF-style: chr12-49041280-G-A. GRCh37 (hg19) VCF-style: chr12-49435063-G-A.
Other names: short protein forms P2164S.
Identifiers: ClinVar variation 1190531 (VCV001190531.2), dbSNP rs1310334856, ClinGen allele CA384750684.